The following is an entry in ClinVar:

NM_006035.4(CDC42BPB):c.3634C>T (p.Leu1212Phe)

Gene: CDC42BPB (CDC42 binding protein kinase beta; minus strand). Cytogenetic location: 14q32.32.
Variant type: single nucleotide variant.
Coding change: c.3634C>T on transcript NM_006035.4 (MANE Select); coding-DNA position 3634, C replaced by T.
Protein change: p.Leu1212Phe; replaces leucine 1212 with phenylalanine.
Molecular consequence: missense variant.
Genome position (GRCh38, 1-based): chr14:102,946,582, G>A on the plus strand (C>T on the coding strand, the complement: CDC42BPB is on the minus strand). VCF-style: chr14-102946582-G-A. GRCh37 (hg19) VCF-style: chr14-103412919-G-A.
Other names: c.3556C>T, p.Leu1186Phe (NM_001411054.1); short protein forms L1186F, L1212F.
Identifiers: ClinVar variation 3343437 (VCV003343437.1).

ClinVar aggregate classification (germline): Uncertain significance (1 of 4 stars; one submission).

Submission:

GeneDx
Classification: Uncertain significance. Last evaluated: 2023-05-22. Review status: criteria provided, single submitter. Criteria: GeneDx Variant Classification Process June 2021. Collection method: clinical testing. Allele origin: germline. Affected: yes.
Comment: Not observed at significant frequency in large population cohorts (gnomAD); In silico analysis supports that this missense variant has a deleterious effect on protein structure/function; Has not been previously published as pathogenic or benign to our knowledge